The following is an entry in ClinVar:

NM_001130438.3(SPTAN1):c.3049C>G (p.Pro1017Ala)

Gene: SPTAN1 (spectrin alpha, non-erythrocytic 1; plus strand). Cytogenetic location: 9q34.11.
Variant type: single nucleotide variant.
Coding change: c.3049C>G on transcript NM_001130438.3 (MANE Select); coding-DNA position 3049, C replaced by G.
Protein change: p.Pro1017Ala; replaces proline 1017 with alanine.
Molecular consequence: missense variant.
Genome position (GRCh38, 1-based): chr9:128,591,519, C>G. VCF-style: chr9-128591519-C-G. GRCh37 (hg19) VCF-style: chr9-131353798-C-G.
Other names: c.3049C>G, p.Pro1017Ala (NM_001195532.2, NM_001363759.2, NM_001363765.2 and 10 more transcripts); c.3085C>G, p.Pro1029Ala (NM_001375312.2, NM_001375318.1, NM_001438440.1); short protein forms P1017A, P1029A.
Identifiers: ClinVar variation 4852769 (VCV004852769.1).

ClinVar aggregate classification (germline): Uncertain significance (1 of 4 stars; one submission).

Conditions:
Developmental and epileptic encephalopathy, 5 (DEE5). Identifiers: Orphanet 3451, MedGen C3150731, MONDO:0013277, OMIM 613477.

Submission:

Diagnostics Services (NGS), CSIR - Centre For Cellular And Molecular Biology
Classification: Uncertain significance for Developmental and epileptic encephalopathy, 5. Last evaluated: 2026-05-05. Review status: criteria provided, single submitter. Criteria: ACMG Guidelines, 2015. Collection method: clinical testing. Allele origin: germline. Observed: 1 variant allele, 1 heterozygote.
Comment: The c.3049C>G variant is not present in publicly available population databases like 1000 Genome, EVS, gnomAD, Indian Exome Database, or in our internal database. This variant has neither been published in the literature for SPTAN1-related conditions nor reported to clinical databases like Human Genome Mutation database (HGMD), OMIM, or ClinVar in any affected individuals. In-silico pathogenicity prediction programs like SIFT4G, Polephen-2, MutationTaster2, CADD, etc predicted this variant to be likely deleterious, however these predictions were not confirmed by published functional studies.